The following is an entry in ClinVar:

ClinVar aggregate classification (germline): Uncertain significance (1 of 4 stars; one submission).

Submission:

Ambry Genetics
Classification: Uncertain significance. Last evaluated: 2022-02-05. Review status: criteria provided, single submitter. Criteria: Ambry Variant Classification Scheme 2023. Collection method: clinical testing. Allele origin: germline.
Comment: The p.T162R variant (also known as c.485C>G), located in coding exon 2 of the GALNT12 gene, results from a C to G substitution at nucleotide position 485. The threonine at codon 162 is replaced by arginine, an amino acid with similar properties. This amino acid position is conserved. In addition, the in silico prediction for this alteration is inconclusive. Since supporting evidence is limited at this time, the clinical significance of this alteration remains unclear.

NM_024642.5(GALNT12):c.485C>G (p.Thr162Arg)

Gene: GALNT12 (polypeptide N-acetylgalactosaminyltransferase 12; plus strand). Cytogenetic location: 9q22.33.
Variant type: single nucleotide variant.
Coding change: c.485C>G on transcript NM_024642.5 (MANE Select); coding-DNA position 485, C replaced by G.
Protein change: p.Thr162Arg; replaces threonine 162 with arginine.
Molecular consequence: missense variant.
Genome position (GRCh38, 1-based): chr9:98,823,369, C>G. VCF-style: chr9-98823369-C-G. GRCh37 (hg19) VCF-style: chr9-101585651-C-G.
Other names: short protein forms T162R.
Identifiers: ClinVar variation 1743620 (VCV001743620.2), dbSNP rs746381338, ClinGen allele CA374216801.